The following is an entry in ClinVar:

NM_000548.5(TSC2):c.68C>T (p.Thr23Ile)

Gene: TSC2 (TSC complex subunit 2; plus strand). Cytogenetic location: 16p13.3.
Variant type: single nucleotide variant.
Coding change: c.68C>T on transcript NM_000548.5 (MANE Select); coding-DNA position 68, C replaced by T.
Protein change: p.Thr23Ile; replaces threonine 23 with isoleucine.
Molecular consequence: missense variant. On other transcripts: 5 prime UTR variant (19), non-coding transcript variant (5), intron variant (6).
Genome position (GRCh38, 1-based): chr16:2,048,683, C>T. VCF-style: chr16-2048683-C-T. GRCh37 (hg19) VCF-style: chr16-2098684-C-T.
Other names: c.68C>T, p.Thr23Ile (NM_001077183.3, NM_001114382.3, NM_001318827.2 and 13 more transcripts); c.-159C>T (NM_001318831.2, NM_001406682.1, NM_001406684.1 and 2 more transcripts); c.101C>T, p.Thr34Ile (NM_001318832.2); c.-749C>T (NM_001406680.1, NM_001406683.1, NM_001406687.1); c.-378C>T (NM_001406681.1); c.-1364C>T (NM_001406689.1, NM_001406690.1, NM_001406691.1 and 2 more transcripts); c.-1670C>T (NM_001406693.1); c.-1245C>T (NM_001406694.1, NM_001406695.1); and 4 more; short protein forms T34I, T23I.
Identifiers: ClinVar variation 3705264 (VCV003705264.2).

ClinVar aggregate classification (germline): Uncertain significance (1 of 4 stars; one submission).

Conditions:
Tuberous sclerosis 2 (TSC2). Identifiers: Orphanet 805, MedGen C1860707, MONDO:0013199, OMIM 613254.

Submission:

Labcorp Genetics (formerly Invitae), Labcorp
Classification: Uncertain significance for Tuberous sclerosis 2. Last evaluated: 2025-10-01. Review status: criteria provided, single submitter. Criteria: Invitae Variant Classification Sherloc (09022015). Collection method: clinical testing. Allele origin: germline.
Comment: This sequence change replaces threonine, which is neutral and polar, with isoleucine, which is neutral and non-polar, at codon 23 of the TSC2 protein (p.Thr23Ile). This variant is not present in population databases (gnomAD no frequency). This variant has not been reported in the literature in individuals affected with TSC2-related conditions. ClinVar contains an entry for this variant (Variation ID: 3705264). Invitae Evidence Modeling of protein sequence and biophysical properties (such as structural, functional, and spatial information, amino acid conservation, physicochemical variation, residue mobility, and thermodynamic stability) indicates that this missense variant is not expected to disrupt TSC2 protein function with a negative predictive value of 95%. In summary, the available evidence is currently insufficient to determine the role of this variant in disease. Therefore, it has been classified as a Variant of Uncertain Significance.